The following is an entry in ClinVar:

ClinVar aggregate classification (germline): Likely pathogenic (1 of 4 stars; one submission).

Conditions:
Multiple endocrine neoplasia, type 1 (MEN1). Also called: MEA I; MEN I; WERMER SYNDROME; Endocrine adenomatosis multiple; MEN 1. Identifiers: Orphanet 652, MedGen C0025267, MeSH D018761, MONDO:0007540, OMIM 131100.

Submission:

Women's Health and Genetics/Laboratory Corporation of America, LabCorp
Classification: Likely pathogenic for Multiple endocrine neoplasia, type 1. Last evaluated: 2024-07-01. Review status: criteria provided, single submitter. Criteria: LabCorp Variant Classification Summary - May 2015. Collection method: clinical testing. Allele origin: germline.
Comment: Variant summary: MEN1 c.912+2T>A is located in a canonical splice-site and is predicted to affect mRNA splicing resulting in a significantly altered protein due to either exon skipping, shortening, or inclusion of intronic material. Several computational tools predict a significant impact on normal splicing: Four predict the variant abolishes a canonical 5' splicing donor site. However, these predictions have yet to be confirmed by functional studies. The variant was absent in 250772 control chromosomes (gnomAD). c.912+2T>A has been reported in the literature in a tumor sample from a study of familial hyperparathyroidism associated mutations without confirmation of a germline origin (Howell_2006). This report does not provide unequivocal conclusions about association of the variant with Multiple Endocrine Neoplasia Type 1. To our knowledge, no experimental evidence demonstrating an impact on protein function has been reported. The following publication has been ascertained in the context of this evaluation (PMID: 17065424). No submitters have cited clinical-significance assessments for this variant to ClinVar. Based on the evidence outlined above, the variant was classified as likely pathogenic.

Literature cited by the submitters: PubMed 17065424.

NM_001370259.2(MEN1):c.912+2T>A

Gene: MEN1 (menin 1; minus strand). Cytogenetic location: 11q13.1.
Variant type: single nucleotide variant.
Coding change: c.912+2T>A on transcript NM_001370259.2 (MANE Select); the canonical splice donor site of the intron after coding-DNA position 912, T replaced by A.
Molecular consequence: splice donor variant.
Genome position (GRCh38, 1-based): chr11:64,807,009, A>T on the plus strand (T>A on the coding strand, the complement: MEN1 is on the minus strand). VCF-style: chr11-64807009-A-T. GRCh37 (hg19) VCF-style: chr11-64574481-A-T.
Other names: c.927+2T>A (NM_130804.3, NM_130803.3, NM_000244.4 and 5 more transcripts); c.807+2T>A (NM_001407148.1, NM_001407149.1, NM_001407151.1 and 2 more transcripts); c.912+2T>A (NM_130799.3, NM_001407144.1, NM_001370260.2 and 7 more transcripts).
Identifiers: ClinVar variation 3339242 (VCV003339242.1).